The following is an entry in ClinVar:

ClinVar aggregate classification (germline): Uncertain significance (1 of 4 stars; one submission).

Conditions:
Aortic aneurysm, familial thoracic 4 (AAT4). Also called: AORTIC ANEURYSM/AORTIC DISSECTION AND PATENT DUCTUS ARTERIOSUS. Identifiers: MedGen C1851504, MONDO:0007568, OMIM 132900.

Submission:

Labcorp Genetics (formerly Invitae), Labcorp
Classification: Uncertain significance for Aortic aneurysm, familial thoracic 4. Last evaluated: 2025-12-06. Review status: criteria provided, single submitter. Criteria: Invitae Variant Classification Sherloc (09022015). Collection method: clinical testing. Allele origin: germline.
Comment: This sequence change falls in intron 41 of the MYH11 gene. It does not directly change the encoded amino acid sequence of the MYH11 protein. This variant is not present in population databases (gnomAD no frequency). This variant has not been reported in the literature in individuals affected with MYH11-related conditions. Algorithms developed to predict the effect of sequence changes on RNA splicing suggest that this variant may disrupt the consensus splice site. In summary, the available evidence is currently insufficient to determine the role of this variant in disease. Therefore, it has been classified as a Variant of Uncertain Significance.

NM_002474.3(MYH11):c.5787-4724T>C

Genes: NDE1 (nudE neurodevelopment protein 1; plus strand), MYH11 (myosin heavy chain 11; minus strand). Cytogenetic location: 16p13.11.
Variant type: single nucleotide variant.
Coding change: c.5787-4724T>C on transcript NM_002474.3 (MANE Select); 4724 bases into the intron before coding-DNA position 5787, T replaced by C.
Molecular consequence: intron variant.
Genome position (GRCh38, 1-based): chr16:15,708,847, A>G on the plus strand (T>C on the coding strand, the complement: MYH11 is on the minus strand). VCF-style: chr16-15708847-A-G. GRCh37 (hg19) VCF-style: chr16-15802704-A-G.
Other names: c.947+11987A>G (NM_001143979.2, NM_017668.3); c.5787-6T>C (NM_022844.3); c.5808-4724T>C (NM_001040114.2); c.5808-6T>C (NM_001040113.2).
Identifiers: ClinVar variation 4732205 (VCV004732205.1).